The following is an entry in ClinVar:

NM_006379.5(SEMA3C):c.873G>A (p.Ser291=)

Gene: SEMA3C (semaphorin 3C; minus strand). Cytogenetic location: 7q21.11.
Variant type: single nucleotide variant.
Coding change: c.873G>A on transcript NM_006379.5 (MANE Select); coding-DNA position 873, G replaced by A.
Protein change: p.Ser291=; no amino-acid change (serine 291 retained).
Molecular consequence: synonymous variant.
Genome position (GRCh38, 1-based): chr7:80,802,708, C>T on the plus strand (G>A on the coding strand, the complement: SEMA3C is on the minus strand). VCF-style: chr7-80802708-C-T. GRCh37 (hg19) VCF-style: chr7-80432024-C-T.
Other names: c.927G>A, p.Ser309= (NM_001350120.2); c.699G>A, p.Ser233= (NM_001350121.2); c.927G>A (NM_001350120.1).
Identifiers: ClinVar variation 737488 (VCV000737488.4), dbSNP rs757267634, ClinGen allele CA4316303.

ClinVar aggregate classification (germline): Likely benign. Review status: criteria provided, multiple submitters, no conflicts (2 of 4 stars). 2 submissions from 2 submitters: Likely benign (2). Last evaluated 2025-01-19.

Conditions:
SEMA3C-related disorder. Also called: SEMA3C-related condition.

Allele frequency attached by ClinVar (database versions not stated): gnomAD 0.00001; TOPMed 0.00002; gnomAD exomes 0.00005; ExAC 0.00006.
gnomAD v4.1: 51 of 1,613,300 alleles (0.0032%); highest among the groups gnomAD compares: Admixed American, 0.013%; no homozygotes.

Submissions (2):

PreventionGenetics, part of Exact Sciences
Classification: Likely benign for SEMA3C-related condition. Last evaluated: 2025-01-19. Review status: criteria provided, single submitter. Criteria: ACMG Guidelines, 2015. Collection method: clinical testing. Allele origin: germline.
Comment: This variant is classified as likely benign based on ACMG/AMP sequence variant interpretation guidelines (Richards et al. 2015 PMID: 25741868, with internal and published modifications).

Labcorp Genetics (formerly Invitae), Labcorp
Classification: Likely benign. Last evaluated: 2018-03-29. Review status: criteria provided, single submitter. Criteria: Invitae Variant Classification Sherloc (09022015). Collection method: clinical testing. Allele origin: germline.